The following is an entry in ClinVar:

ClinVar aggregate classification (germline): Uncertain significance. Review status: criteria provided, multiple submitters, no conflicts (2 of 4 stars). 2 submissions from 2 submitters: Uncertain significance (2). Last evaluated 2024-04-01.

Allele frequency attached by ClinVar (database versions not stated): gnomAD 0.00001; TOPMed 0.00001.

Submissions (2):

Labcorp Genetics (formerly Invitae), Labcorp
Classification: Uncertain significance. Last evaluated: 2024-04-01. Review status: criteria provided, single submitter. Criteria: Invitae Variant Classification Sherloc (09022015). Collection method: clinical testing. Allele origin: germline.
Comment: This variant, c.342_356del, results in the deletion of 5 amino acid(s) of the BPTF protein (p.Thr115_Arg119del), but otherwise preserves the integrity of the reading frame. The frequency data for this variant in the population databases is considered unreliable, as metrics indicate poor data quality at this position in the gnomAD database. This variant has not been reported in the literature in individuals affected with BPTF-related conditions. ClinVar contains an entry for this variant (Variation ID: 2126369). Experimental studies and prediction algorithms are not available or were not evaluated, and the functional significance of this variant is currently unknown. In summary, the available evidence is currently insufficient to determine the role of this variant in disease. Therefore, it has been classified as a Variant of Uncertain Significance.

Women's Health and Genetics/Laboratory Corporation of America, LabCorp
Classification: Uncertain significance. Last evaluated: 2023-09-01. Review status: criteria provided, single submitter. Criteria: LabCorp Variant Classification Summary - May 2015. Collection method: clinical testing. Allele origin: germline.
Comment: Variant summary: BPTF c.342_356del15 (p.Thr115_Arg119del) results in an in-frame deletion that is predicted to remove five amino acids from the encoded protein. The variant allele was found at a frequency of 4.3e-05 in 70280 control chromosomes (gnomAD). The available data on variant occurrences in the general population are insufficient to allow any conclusion about variant significance. To our knowledge, no occurrence of c.342_356del15 in individuals affected with Neurodevelopmental Disorder With Dysmorphic Facies And Distal Limb Anomalies and no experimental evidence demonstrating its impact on protein function have been reported. One submitter has cited clinical-significance assessments for this variant to ClinVar after 2014 and has classified the variant as uncertain significance. Based on the evidence outlined above, the variant was classified as uncertain significance.

NM_182641.4(BPTF):c.342_356del (p.Thr115_Arg119del)

Gene: BPTF (bromodomain PHD finger transcription factor; plus strand). Cytogenetic location: 17q24.2.
Variant type: Deletion.
Coding change: c.342_356del on transcript NM_182641.4 (MANE Select); coding-DNA positions 342 to 356, 15 bases deleted (CACCGCGGCCCGGAG).
Protein change: p.Thr115_Arg119del.
Molecular consequence: inframe deletion.
Genome position (GRCh38, 1-based): chr17:67,826,066-67,826,080, CACCGCGGCCCGGAG deleted. VCF-style (leftmost placement, unchanged base first): chr17-67826065-CCACCGCGGCCCGGAG-C. GRCh37 (hg19) VCF-style: chr17-65822181-CCACCGCGGCCCGGAG-C.
Other names: c.342_356del, p.Thr115_Arg119del (NM_004459.7); c.342_356del15 (NM_004459.6).
Identifiers: ClinVar variation 2126369 (VCV002126369.5), dbSNP rs1434236647, ClinGen allele CA627315526.